The following is an entry in ClinVar:

ClinVar aggregate classification (germline): Uncertain significance (1 of 4 stars; one submission).

Submission:

Ambry Genetics
Classification: Uncertain significance. Last evaluated: 2023-10-27. Review status: criteria provided, single submitter. Criteria: Ambry Variant Classification Scheme 2023. Collection method: clinical testing. Allele origin: germline.
Comment: The p.E365K variant (also known as c.1093G>A), located in coding exon 3 of the ALPK2 gene, results from a G to A substitution at nucleotide position 1093. The glutamic acid at codon 365 is replaced by lysine, an amino acid with similar properties. This amino acid position is conserved. In addition, this alteration is predicted to be tolerated by in silico analysis. Since supporting evidence is limited at this time, the clinical significance of this alteration remains unclear.

NM_052947.4(ALPK2):c.1093G>A (p.Glu365Lys)

Genes: ALPK2 (alpha kinase 2; minus strand), LOC114803473 (ALPK2 eExon liver enhancer; plus strand). Cytogenetic location: 18q21.31.
Variant type: single nucleotide variant.
Coding change: c.1093G>A on transcript NM_052947.4 (MANE Select); coding-DNA position 1093, G replaced by A.
Protein change: p.Glu365Lys; replaces glutamic acid 365 with lysine.
Molecular consequence: missense variant.
Genome position (GRCh38, 1-based): chr18:58,579,683, C>T on the plus strand (G>A on the coding strand, the complement: ALPK2 is on the minus strand). VCF-style: chr18-58579683-C-T. GRCh37 (hg19) VCF-style: chr18-56246915-C-T.
Other names: short protein forms E365K.
Identifiers: ClinVar variation 3228552 (VCV003228552.1), dbSNP rs2518899468, ClinGen allele CA402564751.
Genomic context (GRCh38, chr18:58,579,683, plus strand): 5'-ACCCACAACCCATTCCACTGAGGAAATGCTCACACCCACCCAGGCAATGCTCACCGAATT[C>T]CATCTCTTCGTCATCGCTTTCTAATAAAAAAACATGCTCAGTCCCCAGCAGGTTCCTTTG-3'
Protein context (NP_443179.3, residues 355-375): FLLESDDEEM[Glu365Lys]FGEHCLGGCE